The following is an entry in ClinVar:

ClinVar aggregate classification (germline): Benign/Likely benign. Review status: criteria provided, multiple submitters, no conflicts (2 of 4 stars). 2 submissions from 2 submitters: Benign (1); Likely benign (1). Last evaluated 2023-09-01.

Allele frequency attached by ClinVar (database versions not stated): 1000 Genomes Project 30x 0.00453; 1000 Genomes Project 0.00479; TOPMed 0.00712; gnomAD 0.00960 and 0.00973.
gnomAD v4.1: 1,447 of 152,334 alleles (0.95%); highest among the groups gnomAD compares: Non-Finnish European, 1.5%; 17 homozygotes.

Submissions (2):

CeGaT Center for Human Genetics Tuebingen
Classification: Benign. Last evaluated: 2023-09-01. Review status: criteria provided, single submitter. Criteria: CeGaT Center For Human Genetics Tuebingen Variant Classification Criteria Version 2. Collection method: clinical testing. Allele origin: germline. Affected: yes. Observed: 16 variant alleles.
Comment: LAMA2: BS1, BS2

Breakthrough Genomics
Classification: Likely benign. Review status: criteria provided, single submitter. Criteria: ACMG Guidelines, 2015. Collection method: not provided. Allele origin: germline. Inheritance: Autosomal recessive inheritance. Affected: yes.

NM_000426.4(LAMA2):c.112+33371C>T

Gene: LAMA2 (laminin subunit alpha 2; plus strand). Cytogenetic location: 6q22.33.
Variant type: single nucleotide variant.
Coding change: c.112+33371C>T on transcript NM_000426.4 (MANE Select); 33371 bases into the intron after coding-DNA position 112, C replaced by T.
Molecular consequence: intron variant.
Genome position (GRCh38, 1-based): chr6:128,916,728, C>T. VCF-style: chr6-128916728-C-T. GRCh37 (hg19) VCF-style: chr6-129237873-C-T.
Other names: c.112+33371C>T (NM_001079823.2).
Identifiers: ClinVar variation 1676038 (VCV001676038.34), dbSNP rs139280910, ClinGen allele CA147241135.